The following is an entry in ClinVar:

ClinVar aggregate classification (germline): Uncertain significance (1 of 4 stars; one submission).

Submission:

Labcorp Genetics (formerly Invitae), Labcorp
Classification: Uncertain significance. Last evaluated: 2025-02-09. Review status: criteria provided, single submitter. Criteria: Invitae Variant Classification Sherloc (09022015). Collection method: clinical testing. Allele origin: germline.
Comment: This sequence change replaces glycine, which is neutral and non-polar, with glutamic acid, which is acidic and polar, at codon 953 of the GRIN2D protein (p.Gly953Glu). The frequency data for this variant in the population databases is considered unreliable, as metrics indicate insufficient coverage at this position in the gnomAD database. This variant has not been reported in the literature in individuals affected with GRIN2D-related conditions. ClinVar contains an entry for this variant (Variation ID: 1347296). Invitae Evidence Modeling of protein sequence and biophysical properties (such as structural, functional, and spatial information, amino acid conservation, physicochemical variation, residue mobility, and thermodynamic stability) indicates that this missense variant is not expected to disrupt GRIN2D protein function with a negative predictive value of 95%. In summary, the available evidence is currently insufficient to determine the role of this variant in disease. Therefore, it has been classified as a Variant of Uncertain Significance.

NM_000836.4(GRIN2D):c.2858G>A (p.Gly953Glu)

Gene: GRIN2D (glutamate ionotropic receptor NMDA type subunit 2D; plus strand). Cytogenetic location: 19q13.33.
Variant type: single nucleotide variant.
Coding change: c.2858G>A on transcript NM_000836.4 (MANE Select); coding-DNA position 2858, G replaced by A.
Protein change: p.Gly953Glu; replaces glycine 953 with glutamic acid.
Molecular consequence: missense variant.
Genome position (GRCh38, 1-based): chr19:48,442,784, G>A. VCF-style: chr19-48442784-G-A. GRCh37 (hg19) VCF-style: chr19-48946041-G-A.
Other names: short protein forms G953E.
Identifiers: ClinVar variation 1347296 (VCV001347296.8), dbSNP rs1195376092, ClinGen allele CA406674005.